The following is an entry in ClinVar:

ClinVar aggregate classification (germline): Uncertain significance (1 of 4 stars; one submission).

Submission:

Labcorp Genetics (formerly Invitae), Labcorp
Classification: Uncertain significance. Last evaluated: 2022-10-13. Review status: criteria provided, single submitter. Criteria: Invitae Variant Classification Sherloc (09022015). Collection method: clinical testing. Allele origin: germline.
Comment: Experimental studies and prediction algorithms are not available or were not evaluated, and the functional significance of this variant is currently unknown. This variant has not been reported in the literature in individuals affected with SPPL2A-related conditions. This variant is a gross deletion of the genomic region encompassing exon(s) 11-14 of the SPPL2A gene. This variant would be expected to be in-frame, preserving the integrity of the reading frame. In summary, the available evidence is currently insufficient to determine the role of this variant in disease. Therefore, it has been classified as a Variant of Uncertain Significance.

NC_000015.9:g.(?_51012117)_(51018594_?)del

Gene: SPPL2A (signal peptide peptidase like 2A; minus strand). Cytogenetic location: 15q21.2.
Variant type: Deletion.
Identifiers: ClinVar variation 1434334 (VCV001434334.5).